The following is an entry in ClinVar:

NM_001008537.3(NEXMIF):c.4326G>A (p.Pro1442=)

Gene: NEXMIF (neurite extension and migration factor; minus strand). Cytogenetic location: Xq13.3.
Variant type: single nucleotide variant.
Coding change: c.4326G>A on transcript NM_001008537.3 (MANE Select); coding-DNA position 4326, G replaced by A.
Protein change: p.Pro1442=; no amino-acid change (proline 1442 retained).
Molecular consequence: synonymous variant.
Genome position (GRCh38, 1-based): chrX:74,740,231, C>T on the plus strand (G>A on the coding strand, the complement: NEXMIF is on the minus strand). VCF-style: chrX-74740231-C-T. GRCh37 (hg19) VCF-style: chrX-73960066-C-T.
Identifiers: ClinVar variation 1620881 (VCV001620881.39), dbSNP rs141163613, ClinGen allele CA10454843.

ClinVar aggregate classification (germline): Likely benign. Review status: criteria provided, multiple submitters, no conflicts (2 of 4 stars). 3 submissions from 3 submitters: Likely benign (3). Last evaluated 2025-06-22.

Allele frequency attached by ClinVar (database versions not stated): ExAC 0.00001; gnomAD exomes 0.00002 and 0.00003; TOPMed 0.00002; gnomAD 0.00003; ESP Exome Variant Server 0.00009.
gnomAD v4.1: 35 of 1,209,389 alleles (0.0029%); highest among the groups gnomAD compares: Middle Eastern, 0.023%; no homozygotes.

Submissions (3):

Labcorp Genetics (formerly Invitae), Labcorp
Classification: Likely benign. Last evaluated: 2025-06-22. Review status: criteria provided, single submitter. Criteria: Invitae Variant Classification Sherloc (09022015). Collection method: clinical testing. Allele origin: germline.

Blueprint Genetics
Classification: Likely benign. Last evaluated: 2024-10-22. Review status: criteria provided, single submitter. Criteria: ACMG Guidelines, 2015. Collection method: clinical testing. Allele origin: germline.

CeGaT Center for Human Genetics Tuebingen
Classification: Likely benign. Last evaluated: 2024-07-01. Review status: criteria provided, single submitter. Criteria: CeGaT Center For Human Genetics Tuebingen Variant Classification Criteria Version 2. Collection method: clinical testing. Allele origin: germline. Affected: yes. Observed: 2 variant alleles.
Comment: NEXMIF: BP4, BP7